The following is an entry in ClinVar:

NM_138713.4(NFAT5):c.2501C>T (p.Pro834Leu)

Gene: NFAT5 (nuclear factor of activated T cells 5; plus strand). Cytogenetic location: 16q22.1.
Variant type: single nucleotide variant.
Coding change: c.2501C>T on transcript NM_138713.4 (MANE Select); coding-DNA position 2501, C replaced by T.
Protein change: p.Pro834Leu; replaces proline 834 with leucine.
Molecular consequence: missense variant.
Genome position (GRCh38, 1-based): chr16:69,692,326, C>T. VCF-style: chr16-69692326-C-T. GRCh37 (hg19) VCF-style: chr16-69726229-C-T.
Other names: c.2498C>T, p.Pro833Leu (NM_001113178.3); c.1826C>T, p.Pro609Leu (NM_001367709.1); c.2447C>T, p.Pro816Leu (NM_006599.4); c.2219C>T, p.Pro740Leu (NM_138714.4, NM_173214.3, NM_173215.3); short protein forms P609L, P740L, P816L, P833L, P834L.
Identifiers: ClinVar variation 1519861 (VCV001519861.8), dbSNP rs2151719367, ClinGen allele CA396509753.
Genomic context (GRCh38, chr16:69,692,326, plus strand): 5'-ACTTGGTCCAACAAGTTTTAGAGGCACAGCAGCAGTTATCTTCAGTTTTATTTTCTGCTC[C>T]AGATGGTAATGAGAATGTTCAAGAGCAGCTTAGTGCAGATATTTTTCAACAAGTCAGTCA-3'
Protein context (NP_619727.2, residues 824-844): QQLSSVLFSA[Pro834Leu]DGNENVQEQL

ClinVar aggregate classification (germline): Uncertain significance (1 of 4 stars; one submission).

Conditions:
Immunodeficiency. Identifiers: MedGen C0021051, MONDO:0021094, HP:0002721.

Submission:

Labcorp Genetics (formerly Invitae), Labcorp
Classification: Uncertain significance for Immunodeficiency. Last evaluated: 2024-05-15. Review status: criteria provided, single submitter. Criteria: Invitae Variant Classification Sherloc (09022015). Collection method: clinical testing. Allele origin: germline.
Comment: This sequence change replaces proline, which is neutral and non-polar, with leucine, which is neutral and non-polar, at codon 740 of the NFAT5 protein (p.Pro740Leu). This variant is not present in population databases (gnomAD no frequency). This variant has not been reported in the literature in individuals affected with NFAT5-related conditions. ClinVar contains an entry for this variant (Variation ID: 1519861). An algorithm developed to predict the effect of missense changes on protein structure and function (PolyPhen-2) suggests that this variant is likely to be tolerated. In summary, the available evidence is currently insufficient to determine the role of this variant in disease. Therefore, it has been classified as a Variant of Uncertain Significance.